The following is an entry in ClinVar:

NM_005904.4(SMAD7):c.87G>C (p.Gly29=)

Gene: SMAD7 (SMAD family member 7; minus strand). Cytogenetic location: 18q21.1.
Variant type: single nucleotide variant.
Coding change: c.87G>C on transcript NM_005904.4 (MANE Select); coding-DNA position 87, G replaced by C.
Protein change: p.Gly29=; no amino-acid change (glycine 29 retained).
Molecular consequence: synonymous variant.
Genome position (GRCh38, 1-based): chr18:48,950,338, C>G on the plus strand (G>C on the coding strand, the complement: SMAD7 is on the minus strand). VCF-style: chr18-48950338-C-G. GRCh37 (hg19) VCF-style: chr18-46476708-C-G.
Other names: c.87G>C, p.Gly29= (NM_001190821.2).
Identifiers: ClinVar variation 3047025 (VCV003047025.2), dbSNP rs1180015903, ClinGen allele CA503991038.
Genomic context (GRCh38, chr18:48,950,338, plus strand): 5'-CCCATGCGCTCGGCTGTCCGTCGCCCCTTCTCCCCGCAGCTCGCCTCCTCCTCCACCTCC[C>G]CCTGCGCCCTCCTCCTCGTCCTCGCCGCCGGGCGCACGGCTCCTCCAGAGACGCCGGACG-3'
Protein context (NP_005895.1, residues 19-39): PGGEDEEEGA[Gly29=]GGGGGGELRG

ClinVar aggregate classification (germline): Likely benign (0 of 4 stars; one submission).

Conditions:
SMAD7-related disorder. Also called: SMAD7-related condition.

Allele frequency attached by ClinVar (database versions not stated): gnomAD 0.00001; TOPMed 0.00002.
gnomAD v4.1: 7 of 1,542,406 alleles (0.00045%); highest among the groups gnomAD compares: Admixed American, 0.014%; no homozygotes.

Submission:

PreventionGenetics, part of Exact Sciences
Classification: Likely benign for SMAD7-related condition. Last evaluated: 2019-02-16. Review status: no assertion criteria provided. Collection method: clinical testing. Allele origin: germline.
Comment: This variant is classified as likely benign based on ACMG/AMP sequence variant interpretation guidelines (Richards et al. 2015 PMID: 25741868, with internal and published modifications).